The following is an entry in ClinVar:

ClinVar aggregate classification (germline): Uncertain significance (1 of 4 stars; one submission).

Conditions:
Hereditary cancer-predisposing syndrome. Also called: Neoplastic Syndromes, Hereditary; Tumor predisposition; Hereditary neoplastic syndrome; Hereditary Cancer Syndrome. Identifiers: Orphanet 140162, MedGen C0027672, MeSH D009386, MONDO:0015356.

Submission:

Ambry Genetics
Classification: Uncertain significance for Hereditary cancer-predisposing syndrome. Last evaluated: 2024-02-04. Review status: criteria provided, single submitter. Criteria: Ambry Variant Classification Scheme 2023. Collection method: clinical testing. Allele origin: germline.
Comment: The p.C214S variant (also known as c.640T>A), located in coding exon 5 of the DICER1 gene, results from a T to A substitution at nucleotide position 640. The cysteine at codon 214 is replaced by serine, an amino acid with dissimilar properties. This amino acid position is conserved. In addition, this alteration is predicted to be deleterious by in silico analysis. Based on the available evidence, the clinical significance of this alteration remains unclear.

NM_177438.3(DICER1):c.640T>A (p.Cys214Ser)

Gene: DICER1 (dicer 1, ribonuclease III; minus strand). Cytogenetic location: 14q32.13.
Variant type: single nucleotide variant.
Coding change: c.640T>A on transcript NM_177438.3 (MANE Select); coding-DNA position 640, T replaced by A.
Protein change: p.Cys214Ser; replaces cysteine 214 with serine.
Molecular consequence: missense variant. On other transcripts: 5 prime UTR variant (1), non-coding transcript variant (6).
Genome position (GRCh38, 1-based): chr14:95,129,566, A>T on the plus strand (T>A on the coding strand, the complement: DICER1 is on the minus strand). VCF-style: chr14-95129566-A-T. GRCh37 (hg19) VCF-style: chr14-95595903-A-T.
Other names: c.640T>A, p.Cys214Ser (NM_001195573.1, NM_001271282.3, NM_001291628.2 and 15 more transcripts); c.358T>A, p.Cys120Ser (NM_001395686.1); c.235T>A, p.Cys79Ser (NM_001395687.1, NM_001395688.1, NM_001395689.1 and 3 more transcripts); c.73T>A, p.Cys25Ser (NM_001395691.1); c.-929T>A (NM_001395697.1); short protein forms C120S, C214S, C25S, C79S.
Identifiers: ClinVar variation 3229446 (VCV003229446.1), dbSNP rs2543283210, ClinGen allele CA390888169.